The following is an entry in ClinVar:

ClinVar aggregate classification (germline): Likely pathogenic. Review status: criteria provided, multiple submitters, no conflicts (2 of 4 stars). 4 submissions from 4 submitters: Likely pathogenic (4). Last evaluated 2024-06-10.

Conditions:
SLC4A11-related disorder. Also called: SLC4A11-related condition.
Corneal dystrophy, Fuchs endothelial, 4 (FECD4). Identifiers: Orphanet 98974, MedGen C2750450, MONDO:0013204, OMIM 613268.
Corneal dystrophy-perceptive deafness syndrome (CDPD). Also called: CORNEAL DYSTROPHY AND SENSORINEURAL DEAFNESS; HARBOYAN SYNDROME. Identifiers: Orphanet 1490, MedGen C1857572, MONDO:0009015, OMIM 217400.
Congenital hereditary endothelial dystrophy of cornea. Also called: Congenital hereditary endothelial dystrophy type II; CORNEAL DYSTROPHY, CONGENITAL HEREDITARY ENDOTHELIAL; Congenital hereditary endothelial dystrophy of the cornea; Maumenee corneal dystrophy; Corneal endothelial dystrophy, autosomal recessive. Identifiers: Orphanet 293603, MedGen C1857569, MONDO:0009019, OMIM 217700.

Allele frequency attached by ClinVar (database versions not stated): gnomAD exomes below 0.00001 and 0.00001.

Submissions (4):

Fulgent Genetics
Classification: Likely pathogenic for Corneal dystrophy-perceptive deafness syndrome; Congenital hereditary endothelial dystrophy of cornea; Corneal dystrophy, Fuchs endothelial, 4. Last evaluated: 2024-06-10. Review status: criteria provided, single submitter. Criteria: ACMG Guidelines, 2015. Collection method: clinical testing. Allele origin: germline.

Natera, Inc.
Classification: Likely pathogenic for Corneal dystrophy-perceptive deafness syndrome. Last evaluated: 2024-06-05. Review status: criteria provided, single submitter. Criteria: Natera Variant Classification Schema (03/2026). Collection method: clinical testing. Allele origin: germline.
Comment: The c.2241-12_2249delGGGCCACCGCAGGATTGTGAA variant in SLC4A11 is a deletion affecting a canonical splice acceptor site. This variant is expected to result in nonsense mediated decay, truncation, or a dysfunctional protein product. This variant is rare in the general population with a frequency below the threshold expected for the associated phenotype(s). Given the available evidence, this variant is classified as Likely Pathogenic.

Labcorp Genetics (formerly Invitae), Labcorp
Classification: Likely pathogenic. Last evaluated: 2023-08-07. Review status: criteria provided, single submitter. Criteria: Invitae Variant Classification Sherloc (09022015). Collection method: clinical testing. Allele origin: germline.
Comment: In summary, the currently available evidence indicates that the variant is pathogenic, but additional data are needed to prove that conclusively. Therefore, this variant has been classified as Likely Pathogenic. Algorithms developed to predict the effect of sequence changes on RNA splicing suggest that this variant may disrupt the consensus splice site. ClinVar contains an entry for this variant (Variation ID: 1485387). This variant has not been reported in the literature in individuals affected with SLC4A11-related conditions. This variant is present in population databases (no rsID available, gnomAD 0.003%). This variant results in the deletion of part of exon 17 (c.2241-12_2249del) of the SLC4A11 gene. It is expected to disrupt RNA splicing. Variants that disrupt the donor or acceptor splice site typically lead to a loss of protein function (PMID: 16199547), and loss-of-function variants in SLC4A11 are known to be pathogenic (PMID: 17220209, 17679935).

Blueprint Genetics
Classification: Likely pathogenic for SLC4A11-related disorders. Last evaluated: 2022-06-08. Review status: criteria provided, single submitter. Criteria: ACMG Guidelines, 2015. Collection method: clinical testing. Allele origin: germline. Affected: yes. Observed: 1 variant allele.

Literature cited by the submitters: PubMed 16199547 (cited by Labcorp Genetics (formerly Invitae), Labcorp); PubMed 17220209 (cited by Labcorp Genetics (formerly Invitae), Labcorp); PubMed 17679935 (cited by Labcorp Genetics (formerly Invitae), Labcorp).

NM_001174089.2(SLC4A11):c.2193-12_2201del

Gene: SLC4A11 (solute carrier family 4 member 11; minus strand). Cytogenetic location: 20p13.
Variant type: Deletion.
Coding change: c.2193-12_2201del on transcript NM_001174089.2 (MANE Select); 12 bases into the intron before coding-DNA position 2193 through coding-DNA position 2201, 21 bases deleted (GGGCCACCGCAGGATTGTGAA).
Molecular consequence: splice acceptor variant.
Genome position (GRCh38, 1-based): chr20:3,228,699-3,228,719, TTCACAATCCTGCGGTGGCCC deleted on the plus strand (GGGCCACCGCAGGATTGTGAA on the coding strand, the reverse complement: SLC4A11 is on the minus strand). VCF-style (leftmost placement, unchanged base first): chr20-3228698-GTTCACAATCCTGCGGTGGCCC-G. GRCh37 (hg19) VCF-style: chr20-3209344-GTTCACAATCCTGCGGTGGCCC-G.
Other names: c.2241-12_2249delGGGCCACCGCAGGATTGTGAA (NM_032034.3); c.2079-12_2087del (NM_001363745.2); c.2322-12_2330del (NM_001174090.2); c.2241-12_2249del (NM_032034.4, NM_032034.3).
Identifiers: ClinVar variation 1485387 (VCV001485387.10), dbSNP rs1568528185, ClinGen allele CA634329243.